The following is an entry in ClinVar:

ClinVar aggregate classification (germline): Uncertain significance (1 of 4 stars; one submission).

Allele frequency attached by ClinVar (database versions not stated): gnomAD 0.00019; TOPMed 0.00020; ExAC 0.00024; ESP Exome Variant Server 0.00038; 1000 Genomes Project 0.00060; 1000 Genomes Project 30x 0.00062.
gnomAD v4.1: 165 of 1,614,170 alleles (0.01%); highest among the groups gnomAD compares: East Asian, 0.22%; no homozygotes.

Submission:

Labcorp Genetics (formerly Invitae), Labcorp
Classification: Uncertain significance. Last evaluated: 2022-08-05. Review status: criteria provided, single submitter. Criteria: Invitae Variant Classification Sherloc (09022015). Collection method: clinical testing. Allele origin: germline.
Comment: This sequence change replaces lysine, which is basic and polar, with threonine, which is neutral and polar, at codon 27 of the MBTPS1 protein (p.Lys27Thr). This variant is present in population databases (rs148341491, gnomAD 0.2%). This variant has not been reported in the literature in individuals affected with MBTPS1-related conditions. Algorithms developed to predict the effect of missense changes on protein structure and function (SIFT, PolyPhen-2, Align-GVGD) all suggest that this variant is likely to be tolerated. In summary, the available evidence is currently insufficient to determine the role of this variant in disease. Therefore, it has been classified as a Variant of Uncertain Significance.

NM_003791.4(MBTPS1):c.80A>C (p.Lys27Thr)

Gene: MBTPS1 (membrane bound transcription factor peptidase, site 1; minus strand). Cytogenetic location: 16q24.1.
Variant type: single nucleotide variant.
Coding change: c.80A>C on transcript NM_003791.4 (MANE Select); coding-DNA position 80, A replaced by C.
Protein change: p.Lys27Thr; replaces lysine 27 with threonine.
Molecular consequence: missense variant.
Genome position (GRCh38, 1-based): chr16:84,101,704, T>G on the plus strand (A>C on the coding strand, the complement: MBTPS1 is on the minus strand). VCF-style: chr16-84101704-T-G. GRCh37 (hg19) VCF-style: chr16-84135309-T-G.
Other names: short protein forms K27T.
Identifiers: ClinVar variation 2200436 (VCV002200436.1), dbSNP rs148341491, ClinGen allele CA8201917.